The following is an entry in ClinVar:

NM_000059.4(BRCA2):c.8869C>A (p.Gln2957Lys)

Gene: BRCA2 (BRCA2 DNA repair associated; plus strand). Cytogenetic location: 13q13.1.
Variant type: single nucleotide variant.
Coding change: c.8869C>A on transcript NM_000059.4 (MANE Select); coding-DNA position 8869, C replaced by A.
Protein change: p.Gln2957Lys; replaces glutamine 2957 with lysine.
Molecular consequence: missense variant.
Genome position (GRCh38, 1-based): chr13:32,379,431, C>A. VCF-style: chr13-32379431-C-A. GRCh37 (hg19) VCF-style: chr13-32953568-C-A.
Other names: short protein forms Q2957K.
Identifiers: ClinVar variation 802952 (VCV000802952.6), dbSNP rs276174913, ClinGen allele CA387756378.

ClinVar aggregate classification (germline): Uncertain significance. Review status: criteria provided, multiple submitters, no conflicts (2 of 4 stars). 2 submissions from 2 submitters: Uncertain significance (2). Last evaluated 2022-05-26.

Conditions:
Hereditary breast ovarian cancer syndrome. Also called: Breast and ovarian cancer; Hereditary breast and ovarian cancer syndrome (HBOC); Hereditary breast and/or ovarian cancer syndrome; BRCA1- and BRCA2-Associated Hereditary Breast and Ovarian Cancer; Hereditary breast and ovarian cancer; Hereditary breast and ovarian cancer syndrome. Identifiers: Orphanet 145, MedGen C0677776, MeSH D061325, MONDO:0003582. Disease mechanism: loss of function.
Breast-ovarian cancer, familial, susceptibility to, 2 (BROVCA2). Also called: BRCA2 Hereditary Breast and Ovarian Cancer. Identifiers: Orphanet 145, MedGen C2675520, MONDO:0012933, OMIM 612555. Disease mechanism: loss of function.

gnomAD v4.1: 1 of 1,613,626 alleles (0.000062%); highest among the groups gnomAD compares: Non-Finnish European, 0.000085%; no homozygotes.

Submissions (2):

Labcorp Genetics (formerly Invitae), Labcorp
Classification: Uncertain significance for Hereditary breast ovarian cancer syndrome. Last evaluated: 2022-05-26. Review status: criteria provided, single submitter. Criteria: Invitae Variant Classification Sherloc (09022015). Collection method: clinical testing. Allele origin: germline.
Comment: In summary, the available evidence is currently insufficient to determine the role of this variant in disease. Therefore, it has been classified as a Variant of Uncertain Significance. Advanced modeling of protein sequence and biophysical properties (such as structural, functional, and spatial information, amino acid conservation, physicochemical variation, residue mobility, and thermodynamic stability) performed at Invitae indicates that this missense variant is not expected to disrupt BRCA2 protein function. ClinVar contains an entry for this variant (Variation ID: 802952). This variant has not been reported in the literature in individuals affected with BRCA2-related conditions. This variant is not present in population databases (gnomAD no frequency). This sequence change replaces glutamine, which is neutral and polar, with lysine, which is basic and polar, at codon 2957 of the BRCA2 protein (p.Gln2957Lys).

Mendelics
Classification: Uncertain significance for Breast-ovarian cancer, familial, susceptibility to, 2. Last evaluated: 2019-05-28. Review status: criteria provided, single submitter. Criteria: Mendelics Assertion Criteria 2017. Collection method: clinical testing. Allele origin: unknown.